The following is an entry in ClinVar:

NM_000059.4(BRCA2):c.1594G>C (p.Glu532Gln)

Gene: BRCA2 (BRCA2 DNA repair associated; plus strand). Cytogenetic location: 13q13.1.
Variant type: single nucleotide variant.
Coding change: c.1594G>C on transcript NM_000059.4 (MANE Select); coding-DNA position 1594, G replaced by C.
Protein change: p.Glu532Gln; replaces glutamic acid 532 with glutamine.
Molecular consequence: missense variant.
Genome position (GRCh38, 1-based): chr13:32,333,072, G>C. VCF-style: chr13-32333072-G-C. GRCh37 (hg19) VCF-style: chr13-32907209-G-C.
Other names: short protein forms E532Q.
Identifiers: ClinVar variation 531346 (VCV000531346.11), dbSNP rs138734772, ClinGen allele CA6940529.

ClinVar aggregate classification (germline): Conflicting classifications of pathogenicity. Review status: criteria provided, conflicting classifications (1 of 4 stars). 3 submissions from 3 submitters: Uncertain significance (2); Likely benign (1). Last evaluated 2024-02-22.

Conditions:
Hereditary breast ovarian cancer syndrome. Also called: Hereditary breast and ovarian cancer syndrome (HBOC); BRCA1- and BRCA2-Associated Hereditary Breast and Ovarian Cancer; Hereditary breast and ovarian cancer syndrome; Breast and ovarian cancer; Hereditary breast and ovarian cancer; Hereditary breast and/or ovarian cancer syndrome. Identifiers: Orphanet 145, MedGen C0677776, MeSH D061325, MONDO:0003582. Disease mechanism: loss of function.
Hereditary cancer-predisposing syndrome. Also called: Hereditary neoplastic syndrome; Neoplastic Syndromes, Hereditary; Tumor predisposition; Hereditary Cancer Syndrome. Identifiers: Orphanet 140162, MedGen C0027672, MeSH D009386, MONDO:0015356.

Allele frequency attached by ClinVar (database versions not stated): ESP Exome Variant Server 0.00008.
gnomAD v4.1: 1 of 1,610,626 alleles (0.000062%); highest among the groups gnomAD compares: Non-Finnish European, 0.000085%; no homozygotes.

Submissions (3):

Ambry Genetics
Classification: Uncertain significance for Hereditary cancer-predisposing syndrome. Last evaluated: 2024-02-22. Review status: criteria provided, single submitter. Criteria: Ambry Variant Classification Scheme 2023. Collection method: clinical testing. Allele origin: germline.
Comment: The p.E532Q variant (also known as c.1594G>C), located in coding exon 9 of the BRCA2 gene, results from a G to C substitution at nucleotide position 1594. The glutamic acid at codon 532 is replaced by glutamine, an amino acid with highly similar properties. This amino acid position is not well conserved in available vertebrate species. In addition, this alteration is predicted to be tolerated by in silico analysis. Based on the available evidence, the clinical significance of this alteration remains unclear.

University of Washington Department of Laboratory Medicine, University of Washington
Classification: Likely benign for Hereditary cancer-predisposing syndrome. Last evaluated: 2023-03-23. Review status: criteria provided, single submitter. Criteria: Dines et al. (Genet Med. 2020). Collection method: curation. Allele origin: germline.
Comment: Missense variant in a coldspot region where missense variants are very unlikely to be pathogenic (PMID:31911673).

BRCA2 exon 10 coldspot. Reclassification based on statistical prior probability.

Labcorp Genetics (formerly Invitae), Labcorp
Classification: Uncertain significance for Hereditary breast ovarian cancer syndrome. Last evaluated: 2017-10-28. Review status: criteria provided, single submitter. Criteria: Invitae Variant Classification Sherloc (09022015). Collection method: clinical testing. Allele origin: germline.
Comment: This sequence change replaces glutamic acid with glutamine at codon 532 of the BRCA2 protein (p.Glu532Gln). The glutamic acid residue is weakly conserved and there is a small physicochemical difference between glutamic acid and glutamine. This variant is present in population databases (rs138734772, ExAC 0.002%). This variant has not been reported in the literature in individuals with BRCA2-related disease. In summary, the available evidence is currently insufficient to determine the role of this variant in disease. Therefore, it has been classified as a Variant of Uncertain Significance. Algorithms developed to predict the effect of missense changes on protein structure and function do not agree on the potential impact of this missense change (SIFT: "Tolerated"; PolyPhen-2: "Possibly Damaging"; Align-GVGD: "Class C0").